The following is an entry in ClinVar:

ClinVar aggregate classification (germline): Conflicting classifications of pathogenicity. Review status: criteria provided, conflicting classifications (1 of 4 stars). 2 submissions from 2 submitters: Uncertain significance (1); Likely benign (1). Last evaluated 2025-12-28.

Conditions:
Familial hypocalciuric hypercalcemia (FHH). Also called: Familial benign hypercalcemia. Identifiers: Orphanet 405, MedGen C1809471, MONDO:0018458.
Autosomal dominant hypocalcemia 1 (HYPOC1). Also called: HYPOCALCEMIA, FAMILIAL. Identifiers: MedGen C3715128, MONDO:0011013, OMIM 601198.
Nephrolithiasis/nephrocalcinosis. Identifiers: MedGen CN580796.

Allele frequency attached by ClinVar (database versions not stated): TOPMed below 0.00001; gnomAD exomes below 0.00001 and 0.00001; gnomAD 0.00001; ExAC 0.00002.
gnomAD v4.1: 7 of 1,614,010 alleles (0.00043%); highest among the groups gnomAD compares: East Asian, 0.011%; no homozygotes.

Submissions (2):

Labcorp Genetics (formerly Invitae), Labcorp
Classification: Likely benign for Familial hypocalciuric hypercalcemia; Autosomal dominant hypocalcemia 1. Last evaluated: 2025-12-28. Review status: criteria provided, single submitter. Criteria: Invitae Variant Classification Sherloc (09022015). Collection method: clinical testing. Allele origin: germline.

Ambry Genetics
Classification: Uncertain significance for Nephrolithiasis/nephrocalcinosis. Last evaluated: 2022-09-21. Review status: criteria provided, single submitter. Criteria: Ambry Variant Classification Scheme 2023. Collection method: clinical testing. Allele origin: germline.
Comment: The p.A152V variant (also known as c.455C>T), located in coding exon 2 of the CASR gene, results from a C to T substitution at nucleotide position 455. The alanine at codon 152 is replaced by valine, an amino acid with similar properties. This alteration was identified in an individual diagnosed with hypoparathyroidism (Wang Y et al. J Bone Miner Res, 2019 12;34:2254-2263). This amino acid position is highly conserved in available vertebrate species. In addition, this alteration is predicted to be deleterious by in silico analysis. Since supporting evidence is limited at this time, the clinical significance of this alteration remains unclear.

Literature cited by the submitters: PubMed 31433868 (cited by Ambry Genetics).

NM_000388.4(CASR):c.455C>T (p.Ala152Val)

Gene: CASR (calcium sensing receptor; plus strand). Cytogenetic location: 3q21.1.
Variant type: single nucleotide variant.
Coding change: c.455C>T on transcript NM_000388.4 (MANE Select); coding-DNA position 455, C replaced by T.
Protein change: p.Ala152Val; replaces alanine 152 with valine.
Molecular consequence: missense variant.
Genome position (GRCh38, 1-based): chr3:122,257,350, C>T. VCF-style: chr3-122257350-C-T. GRCh37 (hg19) VCF-style: chr3-121976197-C-T.
Other names: c.455C>T, p.Ala152Val (NM_001178065.2); short protein forms A152V.
Identifiers: ClinVar variation 1486373 (VCV001486373.8), dbSNP rs761519187, ClinGen allele CA2569472.